The following is an entry in ClinVar:

ClinVar aggregate classification (germline): Likely pathogenic (0 of 4 stars; one submission).

Conditions:
TTC7A-related disorder. Also called: TTC7A-related condition.

Submission:

PreventionGenetics, part of Exact Sciences
Classification: Likely pathogenic for TTC7A-related condition. Last evaluated: 2024-09-24. Review status: no assertion criteria provided. Collection method: clinical testing. Allele origin: germline.
Comment: The TTC7A c.1609dupT variant is predicted to result in a frameshift and premature protein termination (p.Tyr537Leufs*29). To our knowledge, this variant has not been reported in the literature or in a large population database, indicating this variant is rare. Frameshift variants in TTC7A are expected to be pathogenic. This variant is interpreted as likely pathogenic.

NM_020458.4(TTC7A):c.1609dup (p.Tyr537fs)

Gene: TTC7A (tetratricopeptide repeat domain 7A; plus strand). Cytogenetic location: 2p21.
Variant type: Duplication.
Coding change: c.1609dup on transcript NM_020458.4 (MANE Select); coding-DNA position 1609, one base duplicated (T; older notation c.1609dupT).
Protein change: p.Tyr537fs; shifts the reading frame from tyrosine 537.
Molecular consequence: frameshift variant.
Genome position (GRCh38, 1-based): chr2:47,024,327, T duplicated. VCF-style (leftmost placement, unchanged base first): chr2-47024326-C-CT. GRCh37 (hg19) VCF-style: chr2-47251465-C-CT.
Other names: c.1609dup, p.Tyr537fs (NM_001288951.2); c.1507dup, p.Tyr503fs (NM_001288953.2); c.547dup, p.Tyr183fs (NM_001288955.2); short protein forms Y183fs, Y503fs, Y537fs.
Identifiers: ClinVar variation 3345522 (VCV003345522.1).
Genomic context (GRCh38, chr2:47,024,326, plus strand): 5'-TCACTCCCTCTCCCCACACAGGGCTCAGCAGCTGGCGCCCAGTGACCCCCAGGTCATCCT[C>CT]TATGTCTCGCTGCAGCTGGCCCTCGTCCGACAGGTGGGTTGTCCGTGTTCCTAACCCCCG-3'